The following is an entry in ClinVar:

ClinVar aggregate classification (germline): Uncertain significance. Review status: criteria provided, multiple submitters, no conflicts (2 of 4 stars). 2 submissions from 2 submitters: Uncertain significance (2). Last evaluated 2025-04-08.

Conditions:
Connective tissue disorder. Also called: Connective tissue disease. Identifiers: MedGen C0009782, MONDO:0003900.
Adams-Oliver syndrome 5 (AOS5). Identifiers: Orphanet 974, MedGen C4014970, MONDO:0014459, OMIM 616028.

Allele frequency attached by ClinVar (database versions not stated): gnomAD exomes below 0.00001; TOPMed 0.00001; gnomAD 0.00001.
gnomAD v4.1: 5 of 1,613,128 alleles (0.00031%); highest among the groups gnomAD compares: Non-Finnish European, 0.00042%; no homozygotes.

Submissions (2):

Labcorp Genetics (formerly Invitae), Labcorp
Classification: Uncertain significance for Adams-Oliver syndrome 5. Last evaluated: 2025-04-08. Review status: criteria provided, single submitter. Criteria: Invitae Variant Classification Sherloc (09022015). Collection method: clinical testing. Allele origin: germline.
Comment: This sequence change replaces glutamic acid, which is acidic and polar, with lysine, which is basic and polar, at codon 756 of the NOTCH1 protein (p.Glu756Lys). This variant is present in population databases (no rsID available, gnomAD 0.002%). This variant has not been reported in the literature in individuals affected with NOTCH1-related conditions. ClinVar contains an entry for this variant (Variation ID: 561322). Invitae Evidence Modeling of protein sequence and biophysical properties (such as structural, functional, and spatial information, amino acid conservation, physicochemical variation, residue mobility, and thermodynamic stability) indicates that this missense variant is not expected to disrupt NOTCH1 protein function with a negative predictive value of 80%. In summary, the available evidence is currently insufficient to determine the role of this variant in disease. Therefore, it has been classified as a Variant of Uncertain Significance.

Center for Human Genetics, Inc
Classification: Uncertain significance for Connective tissue disorder. Last evaluated: 2018-06-01. Review status: criteria provided, single submitter. Criteria: ACMG Guidelines, 2015. Collection method: clinical testing. Allele origin: germline. Affected: yes.

NM_017617.5(NOTCH1):c.2266G>A (p.Glu756Lys)

Gene: NOTCH1 (notch receptor 1; minus strand). Cytogenetic location: 9q34.3.
Variant type: single nucleotide variant.
Coding change: c.2266G>A on transcript NM_017617.5 (MANE Select); coding-DNA position 2266, G replaced by A.
Protein change: p.Glu756Lys; replaces glutamic acid 756 with lysine.
Molecular consequence: missense variant.
Genome position (GRCh38, 1-based): chr9:136,513,479, C>T on the plus strand (G>A on the coding strand, the complement: NOTCH1 is on the minus strand). VCF-style: chr9-136513479-C-T. GRCh37 (hg19) VCF-style: chr9-139407931-C-T.
Other names: c.2266G>A, p.Glu756Lys (LRG_1122t1); short protein forms E756K.
Identifiers: ClinVar variation 561322 (VCV000561322.3), dbSNP rs1271941628, ClinGen allele CA375557177.